The following is an entry in ClinVar:

NM_024577.4(SH3TC2):c.1031A>G (p.Glu344Gly)

Gene: SH3TC2 (SH3 domain and tetratricopeptide repeats 2; minus strand). Cytogenetic location: 5q32.
Variant type: single nucleotide variant.
Coding change: c.1031A>G on transcript NM_024577.4 (MANE Select); coding-DNA position 1031, A replaced by G.
Protein change: p.Glu344Gly; replaces glutamic acid 344 with glycine.
Molecular consequence: missense variant.
Genome position (GRCh38, 1-based): chr5:149,031,658, T>C on the plus strand (A>G on the coding strand, the complement: SH3TC2 is on the minus strand). VCF-style: chr5-149031658-T-C. GRCh37 (hg19) VCF-style: chr5-148411221-T-C.
Other names: short protein forms E344G.
Identifiers: ClinVar variation 653505 (VCV000653505.8), dbSNP rs753849885, ClinGen allele CA3499303.

ClinVar aggregate classification (germline): Uncertain significance (1 of 4 stars; one submission).

Conditions:
Charcot-Marie-Tooth disease type 4. Also called: Charcot-Marie-Tooth disease, type IV; Charcot-Marie-Tooth, Type 4. Identifiers: Orphanet 64749, MedGen C4082197, MONDO:0018995.

Allele frequency attached by ClinVar (database versions not stated): gnomAD exomes below 0.00001; ExAC 0.00001.
gnomAD v4.1: 5 of 1,614,098 alleles (0.00031%); highest among the groups gnomAD compares: South Asian, 0.0011%; no homozygotes.

Submission:

Labcorp Genetics (formerly Invitae), Labcorp
Classification: Uncertain significance for Charcot-Marie-Tooth disease type 4. Last evaluated: 2018-10-25. Review status: criteria provided, single submitter. Criteria: Invitae Variant Classification Sherloc (09022015). Collection method: clinical testing. Allele origin: germline.
Comment: This sequence change replaces glutamic acid with glycine at codon 344 of the SH3TC2 protein (p.Glu344Gly). The glutamic acid residue is highly conserved and there is a moderate physicochemical difference between glutamic acid and glycine. This variant is present in population databases (rs753849885, ExAC 0.006%). In summary, the available evidence is currently insufficient to determine the role of this variant in disease. Therefore, it has been classified as a Variant of Uncertain Significance. Algorithms developed to predict the effect of missense changes on protein structure and function (SIFT, PolyPhen-2, Align-GVGD) all suggest that this variant is likely to be disruptive, but these predictions have not been confirmed by published functional studies and their clinical significance is uncertain. This variant has not been reported in the literature in individuals with SH3TC2-related disease.